The following is an entry in ClinVar:

ClinVar aggregate classification (germline): Benign/Likely benign. Review status: criteria provided, multiple submitters, no conflicts (2 of 4 stars). 2 submissions from 2 submitters: Benign (1); Likely benign (1). Last evaluated 2026-01-12.

Allele frequency attached by ClinVar (database versions not stated): gnomAD exomes 0.00011; ExAC 0.00030; ESP Exome Variant Server 0.00092; gnomAD 0.00100; TOPMed 0.00111; 1000 Genomes Project 30x 0.00141; 1000 Genomes Project 0.00160.
gnomAD v4.1: 320 of 1,614,184 alleles (0.02%); highest among the groups gnomAD compares: African/African-American, 0.39%; 1 homozygote.

Submissions (2):

Labcorp Genetics (formerly Invitae), Labcorp
Classification: Benign. Last evaluated: 2026-01-12. Review status: criteria provided, single submitter. Criteria: Invitae Variant Classification Sherloc (09022015). Collection method: clinical testing. Allele origin: germline.

CeGaT Center for Human Genetics Tuebingen
Classification: Likely benign. Last evaluated: 2025-08-01. Review status: criteria provided, single submitter. Criteria: CeGaT Center For Human Genetics Tuebingen Variant Classification Criteria Version 2. Collection method: clinical testing. Allele origin: germline. Affected: yes. Observed: 1 variant allele.
Comment: FAT2: BP4, BP7

NM_001447.3(FAT2):c.3846T>C (p.Ser1282=)

Genes: FAT2 (FAT atypical cadherin 2; minus strand), SLC36A1 (solute carrier family 36 member 1; plus strand). Cytogenetic location: 5q33.1.
Variant type: single nucleotide variant.
Coding change: c.3846T>C on transcript NM_001447.3 (MANE Select); coding-DNA position 3846, T replaced by C.
Protein change: p.Ser1282=; no amino-acid change (serine 1282 retained).
Molecular consequence: synonymous variant.
Genome position (GRCh38, 1-based): chr5:151,554,461, A>G on the plus strand (T>C on the coding strand, the complement: FAT2 is on the minus strand). VCF-style: chr5-151554461-A-G. GRCh37 (hg19) VCF-style: chr5-150934022-A-G.
Identifiers: ClinVar variation 2063584 (VCV002063584.12), dbSNP rs35879426, ClinGen allele CA3521718.